The following is an entry in ClinVar:

ClinVar aggregate classification (germline): Uncertain significance. Review status: criteria provided, multiple submitters, no conflicts (2 of 4 stars). 2 submissions from 2 submitters: Uncertain significance (2). Last evaluated 2024-03-21.

Allele frequency attached by ClinVar (database versions not stated): gnomAD exomes below 0.00001; TOPMed below 0.00001; gnomAD 0.00001.
gnomAD v4.1: 3 of 1,602,514 alleles (0.00019%); highest among the groups gnomAD compares: Admixed American, 0.0017%; no homozygotes.

Submissions (2):

Ambry Genetics
Classification: Uncertain significance. Last evaluated: 2024-03-21. Review status: criteria provided, single submitter. Criteria: Ambry Variant Classification Scheme 2023. Collection method: clinical testing. Allele origin: germline.
Comment: The p.F73L variant (also known as c.217T>C), located in coding exon 3 of the RECQL gene, results from a T to C substitution at nucleotide position 217. The phenylalanine at codon 73 is replaced by leucine, an amino acid with highly similar properties. This amino acid position is conserved. In addition, this alteration is predicted to be deleterious by in silico analysis. Since supporting evidence is limited at this time, the clinical significance of this alteration remains unclear.

Labcorp Genetics (formerly Invitae), Labcorp
Classification: Uncertain significance. Last evaluated: 2022-07-12. Review status: criteria provided, single submitter. Criteria: Invitae Variant Classification Sherloc (09022015). Collection method: clinical testing. Allele origin: germline.
Comment: In summary, the available evidence is currently insufficient to determine the role of this variant in disease. Therefore, it has been classified as a Variant of Uncertain Significance. Algorithms developed to predict the effect of missense changes on protein structure and function are either unavailable or do not agree on the potential impact of this missense change (SIFT: "Tolerated"; PolyPhen-2: "Probably Damaging"; Align-GVGD: "Class C0"). ClinVar contains an entry for this variant (Variation ID: 1499065). This variant has not been reported in the literature in individuals affected with RECQL-related conditions. This variant is present in population databases (no rsID available, gnomAD 0.003%). This sequence change replaces phenylalanine, which is neutral and non-polar, with leucine, which is neutral and non-polar, at codon 73 of the RECQL protein (p.Phe73Leu).

NM_002907.4(RECQL):c.217T>C (p.Phe73Leu)

Gene: RECQL (RecQ like helicase; minus strand). Cytogenetic location: 12p12.1.
Variant type: single nucleotide variant.
Coding change: c.217T>C on transcript NM_002907.4 (MANE Select); coding-DNA position 217, T replaced by C.
Protein change: p.Phe73Leu; replaces phenylalanine 73 with leucine.
Molecular consequence: missense variant.
Genome position (GRCh38, 1-based): chr12:21,490,376, A>G on the plus strand (T>C on the coding strand, the complement: RECQL is on the minus strand). VCF-style: chr12-21490376-A-G. GRCh37 (hg19) VCF-style: chr12-21643310-A-G.
Other names: c.217T>C, p.Phe73Leu (NM_032941.3); short protein forms F73L.
Identifiers: ClinVar variation 1499065 (VCV001499065.8), dbSNP rs1202038688, ClinGen allele CA384133719.
Genomic context (GRCh38, chr12:21,490,376, plus strand): 5'-TGAACTTTTCCAGTTTAAAGACATTTTGCAGAATATCTTTAACTTTACCAGACCATGGAA[A>G]ATCTAGGAAAAGAAAGTTAAGAATCAGACAAACATGTAAGACTATTATAGAAGTTTGATA-3'
Protein context (NP_002898.2, residues 63-83): SSPAAWNKED[Phe73Leu]PWSGKVKDIL